The following is an entry in ClinVar:

ClinVar aggregate classification (germline): Uncertain significance. Review status: criteria provided, multiple submitters, no conflicts (2 of 4 stars). 2 submissions from 2 submitters: Uncertain significance (2). Last evaluated 2020-09-21.

Conditions:
Hereditary cancer-predisposing syndrome. Also called: Tumor predisposition; Neoplastic Syndromes, Hereditary; Hereditary Cancer Syndrome; Hereditary neoplastic syndrome. Identifiers: Orphanet 140162, MedGen C0027672, MeSH D009386, MONDO:0015356.
Ataxia-telangiectasia syndrome (AT). Also called: ATAXIA-TELANGIECTASIA, COMPLEMENTATION GROUP A; ATAXIA-TELANGIECTASIA, FRESNO VARIANT; LOUIS-BAR SYNDROME; Ataxia telangiectasia (A-T); Cerebello-oculocutaneous telangiectasia; Immunodeficiency with ataxia telangiectasia. Identifiers: Orphanet 100, MedGen C0004135, MONDO:0008840, OMIM 208900.

Allele frequency attached by ClinVar (database versions not stated): gnomAD exomes below 0.00001.
gnomAD v4.1: 1 of 1,510,568 alleles (0.000066%); highest among the groups gnomAD compares: Middle Eastern, 0.019%; no homozygotes.

Submissions (2):

Labcorp Genetics (formerly Invitae), Labcorp
Classification: Uncertain significance for Ataxia-telangiectasia syndrome. Last evaluated: 2020-09-21. Review status: criteria provided, single submitter. Criteria: Invitae Variant Classification Sherloc (09022015). Collection method: clinical testing. Allele origin: germline.
Comment: In summary, the available evidence is currently insufficient to determine the role of this variant in disease. Therefore, it has been classified as a Variant of Uncertain Significance. This sequence change replaces valine with leucine at codon 1538 of the ATM protein (p.Val1538Leu). The valine residue is moderately conserved and there is a small physicochemical difference between valine and leucine. This variant is not present in population databases (ExAC no frequency). This variant has not been reported in the literature in individuals with ATM-related conditions. ClinVar contains an entry for this variant (Variation ID: 627870). Algorithms developed to predict the effect of missense changes on protein structure and function (SIFT, PolyPhen-2, Align-GVGD) all suggest that this variant is likely to be tolerated, but these predictions have not been confirmed by published functional studies and their clinical significance is uncertain. Algorithms developed to predict the effect of sequence changes on RNA splicing suggest that this variant may disrupt the consensus splice site, but this prediction has not been confirmed by published transcriptional studies.

Color Diagnostics, LLC DBA Color Health
Classification: Uncertain significance for Hereditary cancer-predisposing syndrome. Last evaluated: 2019-06-22. Review status: criteria provided, single submitter. Criteria: ACMG Guidelines, 2015. Collection method: clinical testing. Allele origin: germline.

NM_000051.4(ATM):c.4612G>C (p.Val1538Leu)

Gene: ATM (ATM serine/threonine kinase; plus strand). Cytogenetic location: 11q22.3.
Variant type: single nucleotide variant.
Coding change: c.4612G>C on transcript NM_000051.4 (MANE Select); coding-DNA position 4612, G replaced by C.
Protein change: p.Val1538Leu; replaces valine 1538 with leucine.
Molecular consequence: missense variant.
Genome position (GRCh38, 1-based): chr11:108,293,313, G>C. VCF-style: chr11-108293313-G-C. GRCh37 (hg19) VCF-style: chr11-108164040-G-C.
Other names: c.4612G>C, p.Val1538Leu (NM_001351834.2); short protein forms V1538L.
Identifiers: ClinVar variation 627870 (VCV000627870.12), dbSNP rs1034235291, ClinGen allele CA382534562.